The following is an entry in ClinVar:

ClinVar aggregate classification (germline): Likely benign (1 of 4 stars; one submission).

Conditions:
NPHP4-related disorder. Also called: NPHP4-related disorders; NPHP4-related condition. Identifiers: MedGen CN239384.

gnomAD v4.1: 3 of 1,613,960 alleles (0.00019%); highest among the groups gnomAD compares: Non-Finnish European, 0.00025%; no homozygotes.

Submission:

PreventionGenetics, part of Exact Sciences
Classification: Likely benign for NPHP4-related condition. Last evaluated: 2025-02-06. Review status: criteria provided, single submitter. Criteria: ACMG Guidelines, 2015. Collection method: clinical testing. Allele origin: germline.
Comment: This variant is classified as likely benign based on ACMG/AMP sequence variant interpretation guidelines (Richards et al. 2015 PMID: 25741868, with internal and published modifications).

NM_015102.5(NPHP4):c.96G>A (p.Gln32=)

Gene: NPHP4 (nephrocystin 4; minus strand). Cytogenetic location: 1p36.31.
Variant type: single nucleotide variant.
Coding change: c.96G>A on transcript NM_015102.5 (MANE Select); coding-DNA position 96, G replaced by A.
Protein change: p.Gln32=; no amino-acid change (glutamine 32 retained).
Molecular consequence: synonymous variant. On other transcripts: 5 prime UTR variant (1), non-coding transcript variant (1), intron variant (1).
Genome position (GRCh38, 1-based): chr1:5,986,194, C>T on the plus strand (G>A on the coding strand, the complement: NPHP4 is on the minus strand). VCF-style: chr1-5986194-C-T. GRCh37 (hg19) VCF-style: chr1-6046254-C-T.
Other names: c.-1134G>A (NM_001291593.2); c.-1088+6050G>A (NM_001291594.2).
Identifiers: ClinVar variation 4997145 (VCV004997145.1).